The following is an entry in ClinVar:

NM_000035.4(ALDOB):c.74C>T (p.Ala25Val)

Gene: ALDOB (aldolase, fructose-bisphosphate B; minus strand). Cytogenetic location: 9q31.1.
Variant type: single nucleotide variant.
Coding change: c.74C>T on transcript NM_000035.4 (MANE Select); coding-DNA position 74, C replaced by T.
Protein change: p.Ala25Val; replaces alanine 25 with valine.
Molecular consequence: missense variant.
Genome position (GRCh38, 1-based): chr9:101,430,814, G>A on the plus strand (C>T on the coding strand, the complement: ALDOB is on the minus strand). VCF-style: chr9-101430814-G-A. GRCh37 (hg19) VCF-style: chr9-104193096-G-A.
Other names: short protein forms A25V.
Identifiers: ClinVar variation 4734873 (VCV004734873.1).
Genomic context (GRCh38, chr9:101,430,814, plus strand): 5'-TGAGACTGCTTTTTACACTCACCTACAGATTCATCTGCAGCCAGGATCCCCTTTCCATTG[G>A]CAACAATGCTCTGGGCAATTTCTGAGAGCTCCTTCTTCTGCTCCTGGGTGAGGGCTGGAA-3'
Protein context (NP_000026.2, residues 15-35): ELSEIAQSIV[Ala25Val]NGKGILAADE

ClinVar aggregate classification (germline): Uncertain significance (1 of 4 stars; one submission).

Conditions:
Hereditary fructosuria. Also called: ALDOB DEFICIENCY; ALDOLASE B DEFICIENCY; FRUCTOSE-1,6-BISPHOSPHATE ALDOLASE B DEFICIENCY; FRUCTOSE-1-PHOSPHATE ALDOLASE DEFICIENCY; FRUCTOSEMIA; Hereditary fructose intolerance. Identifiers: Orphanet 469, MedGen C0016751, MONDO:0009249, OMIM 229600, HP:0005973. Disease mechanism: loss of function.

Submission:

Labcorp Genetics (formerly Invitae), Labcorp
Classification: Uncertain significance for Hereditary fructosuria. Last evaluated: 2025-11-04. Review status: criteria provided, single submitter. Criteria: Invitae Variant Classification Sherloc (09022015). Collection method: clinical testing. Allele origin: germline.
Comment: This sequence change replaces alanine, which is neutral and non-polar, with valine, which is neutral and non-polar, at codon 25 of the ALDOB protein (p.Ala25Val). This variant is present in population databases (no rsID available, gnomAD 0.0009%). This variant has not been reported in the literature in individuals affected with ALDOB-related conditions. An algorithm developed to predict the effect of missense changes on protein structure and function (PolyPhen-2) suggests that this variant is likely to be tolerated. In summary, the available evidence is currently insufficient to determine the role of this variant in disease. Therefore, it has been classified as a Variant of Uncertain Significance.